The following is an entry in ClinVar:

NM_000492.4(CFTR):c.580-1G>T

Gene: CFTR (CF transmembrane conductance regulator; plus strand). Cytogenetic location: 7q31.2.
Variant type: single nucleotide variant.
Coding change: c.580-1G>T on transcript NM_000492.4 (MANE Select); the canonical splice acceptor site of the intron before coding-DNA position 580, G replaced by T.
Molecular consequence: splice acceptor variant.
Genome position (GRCh38, 1-based): chr7:117,535,247, G>T. VCF-style: chr7-117535247-G-T. GRCh37 (hg19) VCF-style: chr7-117175301-G-T.
Other names: 712-1G->T.
Identifiers: ClinVar variation 54014 (VCV000054014.25), dbSNP rs121908793, ClinGen allele CA328128.

ClinVar aggregate classification (germline): Pathogenic. Review status: reviewed by expert panel (3 of 4 stars). 13 submissions from 12 submitters: Pathogenic (1). 12 of the submissions do not count toward it. Last evaluated 2017-03-17.

Conditions:
CFTR-related disorder (CFTR-RD). Also called: CFTR-related condition; CFTR-related disorders. Identifiers: MedGen C5924204, MONDO:7770004.
Congenital bilateral aplasia of vas deferens from CFTR mutation (CBAVD). Identifiers: Orphanet 48, MedGen C0403814, MONDO:0010178, OMIM 277180. Disease mechanism: loss of function.
Cystic fibrosis (CF). Also called: MUCOVISCIDOSIS. Identifiers: Orphanet 586, MedGen C0010674, MONDO:0009061, OMIM 219700. Disease mechanism: loss of function.
Bronchiectasis with or without elevated sweat chloride 1 (BESC1). Also called: Cystic Fibrosis-Like Syndrome. Identifiers: Orphanet 60033, MedGen C2749757, MONDO:0008887, OMIM 211400.
Hereditary pancreatitis (PCTT). Also called: PRSS1-Related Hereditary Pancreatitis; Hereditary chronic pancreatitis. Identifiers: Orphanet 676, MedGen C0238339, MONDO:0008185, OMIM 167800.

Allele frequency attached by ClinVar (database versions not stated): TOPMed below 0.00001; ExAC 0.00001.
gnomAD v4.1: 2 of 1,614,084 alleles (0.00012%); highest among the groups gnomAD compares: Non-Finnish European, 0.000085%; no homozygotes.

Submissions (13):

CFTR2
Classification: Pathogenic for Cystic fibrosis. Last evaluated: 2017-03-17. Review status: reviewed by expert panel. Criteria: Sosnay PR et al. (Nat Genet 2013). Collection method: research. Allele origin: germline. Affected: yes. Study: CFTR2.

Otogenetics
Classification: Pathogenic for Cystic fibrosis; Congenital bilateral aplasia of vas deferens from CFTR mutation. Last evaluated: 2026-01-23. Review status: criteria provided, single submitter. Criteria: ACMG Guidelines, 2015. Collection method: clinical testing. Allele origin: germline. Not counted in ClinVar's aggregate classification.
Comment: PVS1: Null variant occurring in a canonical splice site (acceptor site) in gene with loss of function as mechanism of disease, disrupting the reading frame and predicted to undergo NMD; PS3_Supporting: Well-established in vitro and in vivo functional studies supportive of damaging effect on the gene product, with low residual enzymatic activity relative to wild-type reported (PMID: 24129438); PM2: Maximum gnomAD MAF of 0.0009% in European-Non Finnish (NFE) subpopulation (<0.296% threshold); PP3: In-silico models predict deleterious effect (MutationTaster = 1, SpliceAI = 0.88)

Natera, Inc.
Classification: Pathogenic for CFTR-related disorders. Last evaluated: 2025-12-01. Review status: criteria provided, single submitter. Criteria: Natera Variant Classification Schema (03/2026). Collection method: clinical testing. Allele origin: germline. Not counted in ClinVar's aggregate classification.
Comment: The c.580-1G>T variant in CFTR is a canonical splice acceptor site variant predicted to affect pre-mRNA splicing, which may result in an abnormal transcript and altered protein product. This variant is expected to result in nonsense mediated decay, truncation, or a dysfunctional protein product. This variant is rare in the general population with a frequency below the threshold expected for the associated phenotype(s). This variant has been observed in one or more individuals affected with the associated recessive disease, as either homozygous or compound heterozygous with a second variant (PMID: 15176679). Given the available evidence, this variant is classified as Pathogenic.

Labcorp Genetics (formerly Invitae), Labcorp
Classification: Pathogenic for Cystic fibrosis. Last evaluated: 2025-06-27. Review status: criteria provided, single submitter. Criteria: Invitae Variant Classification Sherloc (09022015). Collection method: clinical testing. Allele origin: germline. Not counted in ClinVar's aggregate classification.
Comment: This sequence change affects an acceptor splice site in intron 5 of the CFTR gene. It is expected to disrupt RNA splicing. Variants that disrupt the donor or acceptor splice site typically lead to a loss of protein function (PMID: 16199547), and loss-of-function variants in CFTR are known to be pathogenic (PMID: 1695717, 7691345, 9725922). This variant is present in population databases (rs121908793, gnomAD 0.0009%). Disruption of this splice site has been observed in individuals with cystic fibrosis (PMID: 9439669, 23974870, 24129438). This variant is also known as 712-1G>T. ClinVar contains an entry for this variant (Variation ID: 54014). Algorithms developed to predict the effect of sequence changes on RNA splicing suggest that this variant may disrupt the consensus splice site. For these reasons, this variant has been classified as Pathogenic.

Dasa
Classification: Pathogenic. Last evaluated: 2025-06-16. Review status: criteria provided, single submitter. Criteria: DASA Assertion Criteria. Collection method: clinical testing. Allele origin: germline. Not counted in ClinVar's aggregate classification.
Comment: NM_000492.4(CFTR):c.580-1G>T introduces a premature termination codon predicted to result in loss of normal protein function. Loss-of-function is an established mechanism of disease for this gene. This variant has been observed in affected individuals with related phenotype in a genotype context consistent with recessive disease (PMID: 24129438; PMID: 32429104; PMID: 25674778). Functional evidence supports a deleterious effect on the gene or gene product (PMID: 24129438; PMID: 32429104; PMID: 25674778). This variant has been recurrently observed in individuals with related phenotype (PMID: 24129438; PMID: 32429104; PMID: 25674778). The variant is present at low frequency in population datasets. Based on the available data, this variant is classified as pathogenic.

Fulgent Genetics
Classification: Pathogenic for Hereditary pancreatitis; Bronchiectasis with or without elevated sweat chloride 1; Cystic fibrosis; Congenital bilateral aplasia of vas deferens from CFTR mutation. Last evaluated: 2024-04-17. Review status: criteria provided, single submitter. Criteria: ACMG Guidelines, 2015. Collection method: clinical testing. Allele origin: germline. Not counted in ClinVar's aggregate classification.

Baylor Genetics
Classification: Pathogenic for Bronchiectasis with or without elevated sweat chloride 1. Last evaluated: 2023-11-06. Review status: criteria provided, single submitter. Criteria: ACMG Guidelines, 2015. Collection method: clinical testing. Allele origin: unknown. Not counted in ClinVar's aggregate classification.

Ambry Genetics
Classification: Pathogenic for Cystic fibrosis. Last evaluated: 2023-04-17. Review status: criteria provided, single submitter. Criteria: Ambry Variant Classification Scheme 2023. Collection method: clinical testing. Allele origin: germline. Not counted in ClinVar's aggregate classification.
Comment: The c.580-1G>T intronic pathogenic mutation results from a G to T substitution one nucleotide upstream from coding exon 6 of the CFTR gene. This alteration is reported in multiple individuals clinically affected with cystic fibrosis from various ethnic cohorts (Raraigh KS et al. J Cyst Fibros, 2022 May;21:463-470; Gen&eacute; GG et al. Hum Mutat, 2008 May;29:738-49; Petrova NV et al. Genes (Basel), 2020 May;11; Koles&aacute;r P et al. Gen Physiol Biophys, 2008 Dec;27:299-305). Additionally, this variant has been reported in multiple individuals with an elevated sweat chloride level in The Clinical and Functional TRanslation of CFTR (CFTR2) database (available at CFTR2. Accessed 04/14/2023). RNA analysis demonstrated skipping of exon 6 in cystic fibrosis carriers and patients with c.580-1G>T; compared to wild-type controls, the amount of correctly spliced transcripts was reduced by 34% in carriers and 60% in patients (Masvidal L. et al. Eur. J. Hum. Genet. 2014 Jun;22(6):784-91). This variant is considered to be rare based on population cohorts in the Genome Aggregation Database (gnomAD). This nucleotide position is highly conserved in available vertebrate species. In silico splice site analysis predicts that this alteration will weaken the native splice acceptor site. In addition to the data presented in the literature, alterations that disrupt the canonical splice site are expected to cause aberrant splicing, resulting in an abnormal protein or a transcript that is subject to nonsense-mediated mRNA decay. As such, this alteration is classified as a disease-causing mutation.

Myriad Genetics, Inc.
Classification: Pathogenic for Cystic fibrosis. Last evaluated: 2019-12-04. Review status: criteria provided, single submitter. Criteria: Myriad Women's Health Autosomal Recessive and X-Linked Classification Criteria (2019). Collection method: clinical testing. Allele origin: unknown. Not counted in ClinVar's aggregate classification.
Comment: NM_000492.3(CFTR):c.580-1G>T(aka 712-1G>T) is classified as pathogenic in the context of cystic fibrosis and is associated with the classic form of the disease. Sources cited for classification include the following: PMID 18456578, 19202204, 23974870, 9439669, 24129438 and 18306312. Classification of NM_000492.3(CFTR):c.580-1G>T(aka 712-1G>T) is based on the following criteria: The variant is located at a canonical splice site, is expected to disrupt gene function and is reported in individuals with the relevant phenotype. Please note: this variant was assessed in the context of healthy population screening.

Women's Health and Genetics/Laboratory Corporation of America, LabCorp
Classification: Pathogenic for Cystic fibrosis. Last evaluated: 2019-04-22. Review status: criteria provided, single submitter. Criteria: LabCorp Variant Classification Summary - May 2015. Collection method: clinical testing. Allele origin: germline. Not counted in ClinVar's aggregate classification.
Comment: Variant summary: CFTR c.580-1G>T is located in a canonical splice-site and is predicted to affect mRNA splicing resulting in a significantly altered protein due to either exon skipping, shortening, or inclusion of intronic material. Several computational tools predict a significant impact on normal splicing: Five predict the variant abolishes a 3' acceptor site. At least one publication reports experimental evidence that this variant affects mRNA splicing (Masvidal_2014). The variant allele was found at a frequency of 4e-06 in 251428 control chromosomes. c.580-1G>T has been reported in the literature in multiple individuals affected with Cystic Fibrosis (Masvidal_2014, Alonso_2007). These data indicate that the variant is very likely to be associated with disease. Three clinical diagnostic laboratories have submitted clinical-significance assessments for this variant to ClinVar after 2014 without evidence for independent evaluation. All laboratories classified the variant as pathogenic. Based on the evidence outlined above, the variant was classified as pathogenic.

Mendelics
Classification: Pathogenic for Cystic fibrosis. Last evaluated: 2018-11-05. Review status: criteria provided, single submitter. Criteria: Mendelics Assertion Criteria 2017. Collection method: clinical testing. Allele origin: unknown. Affected: yes. Not counted in ClinVar's aggregate classification.

CFTR-France
Classification: Pathogenic for cystic fibrosis. Last evaluated: 2018-01-29. Review status: criteria provided, single submitter. Criteria: Claustres M et al. (Hum Mutat 2017). Collection method: curation. Allele origin: germline. Affected: yes. Not counted in ClinVar's aggregate classification.

Baylor Genetics
Classification: Pathogenic for Congenital bilateral aplasia of vas deferens from CFTR mutation; Cystic fibrosis. Review status: criteria provided, single submitter. Criteria: ACMG Guidelines, 2015. Collection method: clinical testing. Allele origin: germline. Not counted in ClinVar's aggregate classification.

Literature cited by the submitters: PubMed 24129438 (cited by 5 submitters); PubMed 15176679 (cited by Natera, Inc.); PubMed 16199547 (cited by Labcorp Genetics (formerly Invitae), Labcorp); PubMed 1695717 (cited by Labcorp Genetics (formerly Invitae), Labcorp); PubMed 7691345 (cited by Labcorp Genetics (formerly Invitae), Labcorp); PubMed 9725922 (cited by Labcorp Genetics (formerly Invitae), Labcorp); PubMed 9439669 (cited by Labcorp Genetics (formerly Invitae), Labcorp and Myriad Genetics, Inc.); PubMed 23974870 (cited by Labcorp Genetics (formerly Invitae), Labcorp and Myriad Genetics, Inc.); PubMed 32429104 (cited by Dasa and Ambry Genetics); PubMed 25674778 (cited by Dasa); PubMed 18306312 (cited by Ambry Genetics and Myriad Genetics, Inc.); PubMed 19202204 (cited by Ambry Genetics and Myriad Genetics, Inc.); PubMed 34782259 (cited by Ambry Genetics); PubMed 18456578 (cited by Myriad Genetics, Inc.); PubMed 17331079 (cited by Women's Health and Genetics/Laboratory Corporation of America, LabCorp).